The following is an entry in ClinVar:

NM_003482.4(KMT2D):c.4584-10T>C

Gene: KMT2D (lysine methyltransferase 2D; minus strand). Cytogenetic location: 12q13.12.
Variant type: single nucleotide variant.
Coding change: c.4584-10T>C on transcript NM_003482.4 (MANE Select); 10 bases into the intron before coding-DNA position 4584, T replaced by C.
Molecular consequence: intron variant.
Genome position (GRCh38, 1-based): chr12:49,046,184, A>G on the plus strand (T>C on the coding strand, the complement: KMT2D is on the minus strand). VCF-style: chr12-49046184-A-G. GRCh37 (hg19) VCF-style: chr12-49439967-A-G.
Identifiers: ClinVar variation 1593424 (VCV001593424.9), dbSNP rs755136735, ClinGen allele CA6547790.

ClinVar aggregate classification (germline): Likely benign. Review status: criteria provided, multiple submitters, no conflicts (2 of 4 stars). 2 submissions from 2 submitters: Likely benign (2). Last evaluated 2025-04-15.

Conditions:
KMT2D-related disorder. Also called: KMT2D-Related Disorders.
Kabuki syndrome. Also called: NIIKAWA-KUROKI SYNDROME; Kabuki make-up syndrome. Identifiers: Orphanet 2322, MedGen C0796004, MONDO:0016512.

Allele frequency attached by ClinVar (database versions not stated): gnomAD exomes 0.00011 and 0.00002; gnomAD 0.00001; TOPMed 0.00001; ExAC 0.00003.
gnomAD v4.1: 151 of 1,611,930 alleles (0.0094%); highest among the groups gnomAD compares: Non-Finnish European, 0.013%; no homozygotes.

Submissions (2):

PreventionGenetics, part of Exact Sciences
Classification: Likely benign for KMT2D-related condition. Last evaluated: 2025-04-15. Review status: criteria provided, single submitter. Criteria: ACMG Guidelines, 2015. Collection method: clinical testing. Allele origin: germline.
Comment: This variant is classified as likely benign based on ACMG/AMP sequence variant interpretation guidelines (Richards et al. 2015 PMID: 25741868, with internal and published modifications).

Labcorp Genetics (formerly Invitae), Labcorp
Classification: Likely benign for Kabuki syndrome. Last evaluated: 2024-10-24. Review status: criteria provided, single submitter. Criteria: Invitae Variant Classification Sherloc (09022015). Collection method: clinical testing. Allele origin: germline.